The following is an entry in ClinVar:

NM_024757.5(EHMT1):c.2877_2880del (p.Ser960fs)

Gene: EHMT1 (euchromatic histone lysine methyltransferase 1; plus strand). Cytogenetic location: 9q34.3.
Variant type: Microsatellite.
Coding change: c.2877_2880del on transcript NM_024757.5 (MANE Select); coding-DNA positions 2877 to 2880, 4 bases deleted (TTCT; older notation c.2877_2880delTTCT).
Protein change: p.Ser960fs; shifts the reading frame from serine 960.
Molecular consequence: frameshift variant.
Genome position (GRCh38, 1-based): chr9:137,813,015-137,813,018, TTCT deleted; deleting any 4 consecutive bases within chr9:137,813,008-137,813,018 gives the same sequence; the c. name uses the placement nearest the transcript's 3' end. VCF-style (leftmost placement, unchanged base first): chr9-137813007-CTCTT-C. GRCh37 (hg19) VCF-style: chr9-140707459-CTCTT-C.
Other names: NM_024757.4:c.2878_2881del; NP_079033.4:p.Ser960GlyfsTer7; p.(Ser960Glyfs*7); c.2877_2880del (NM_024757.4); c.2856_2859del, p.Ser953fs (NM_001354263.2); short protein forms S960fs, S953fs.
Identifiers: ClinVar variation 65734 (VCV000065734.17), dbSNP rs786205129, ClinGen allele CA345059.

ClinVar aggregate classification (germline): Pathogenic. Review status: criteria provided, multiple submitters, no conflicts (2 of 4 stars). 8 submissions from 8 submitters: Pathogenic (7). 1 of the submissions does not count toward it. Last evaluated 2023-10-11.

Conditions:
Kleefstra syndrome 1 (KLEFS1). Identifiers: Orphanet 261494, MedGen C0795833, MONDO:0027407, OMIM 610253.
Intellectual disability. Also called: intellectual disabilities; Intellectual functioning disability; Intellectual developmental disorder. Identifiers: MedGen C3714756, MeSH D008607, MONDO:0001071, HP:0001249.

Submissions (8):

Labcorp Genetics (formerly Invitae), Labcorp
Classification: Pathogenic for Kleefstra syndrome 1. Last evaluated: 2023-10-11. Review status: criteria provided, single submitter. Criteria: Invitae Variant Classification Sherloc (09022015). Collection method: clinical testing. Allele origin: germline.
Comment: This sequence change creates a premature translational stop signal (p.Ser960Glyfs*7) in the EHMT1 gene. It is expected to result in an absent or disrupted protein product. Loss-of-function variants in EHMT1 are known to be pathogenic (PMID: 16826528, 19264732). This variant is not present in population databases (gnomAD no frequency). This premature translational stop signal has been observed in individual(s) with Kleefstra syndrome (PMID: 22670141). In at least one individual the variant was observed to be de novo. ClinVar contains an entry for this variant (Variation ID: 65734). Algorithms developed to predict the effect of sequence changes on RNA splicing suggest that this variant may disrupt the consensus splice site. For these reasons, this variant has been classified as Pathogenic.

GeneDx
Classification: Pathogenic. Last evaluated: 2023-06-25. Review status: criteria provided, single submitter. Criteria: GeneDx Variant Classification Process June 2021. Collection method: clinical testing. Allele origin: germline. Affected: yes.
Comment: Frameshift variant predicted to result in protein truncation or nonsense mediated decay in a gene for which loss of function is a known mechanism of disease; Not observed at significant frequency in large population cohorts (gnomAD); This variant is associated with the following publications: (PMID: 29276005, 22670141, 20945554, 31785789)

Center of Genomic medicine, Geneva, University Hospital of Geneva
Classification: Pathogenic for Kleefstra syndrome 1. Last evaluated: 2023-03-21. Review status: criteria provided, single submitter. Criteria: ACMG Guidelines, 2015. Collection method: clinical testing. Allele origin: de novo. Affected: yes. Observed: 1 variant allele.

3billion
Classification: Pathogenic for Kleefstra syndrome 1. Last evaluated: 2022-09-01. Review status: criteria provided, single submitter. Criteria: ACMG Guidelines, 2015. Collection method: clinical testing. Allele origin: germline. Affected: yes. Observed: 1 heterozygote.
Comment: The variant is not observed in the gnomAD v2.1.1 dataset. It is predicted to result in a loss or disruption of normal protein function through nonsense-mediated decay (NMD) or protein truncation. Multiple pathogenic variants are reported downstream of the variant. The variant has been reported at least twice as pathogenic (ClinVar ID: VCV000065734/ PMID: 22670141). Therefore, this variant is classified as Pathogenic according to the recommendation of ACMG/AMP guideline.

Laboratorio de Genetica e Diagnostico Molecular, Hospital Israelita Albert Einstein
Classification: Pathogenic for Kleefstra syndrome 1. Last evaluated: 2022-04-18. Review status: criteria provided, single submitter. Criteria: ACMG Guidelines, 2015. Collection method: clinical testing. Allele origin: germline. Affected: yes. Observed: 1 variant allele.
Comment: ACMG classification criteria: PVS1 very strong, PS4 supporting, PM2 moderated, PM6 moderated

Cambridge Genomics Laboratory, East Genomic Laboratory Hub, NHS Genomic Medicine Service
Classification: Pathogenic for Intellectual disability. Last evaluated: 2019-05-16. Review status: criteria provided, single submitter. Criteria: ACGS Best Practice Guidelines for Variant Classification in Rare Disease 2020. Collection method: clinical testing. Allele origin: germline. Affected: yes. Observed: 1 variant allele.

Laboratory of Genetics, Children's Clinical University Hospital Latvia
Classification: Pathogenic for Kleefstra syndrome 1. Review status: criteria provided, single submitter. Criteria: ACMG Guidelines, 2015. Collection method: curation. Allele origin: germline. Affected: yes.
Comment: Inheritance unknown

GeneReviews
No classification provided. Condition: Kleefstra syndrome 1. Review status: no classification provided. Collection method: literature only. Allele origin: germline. Affected: yes. Not counted in ClinVar's aggregate classification.

Literature cited by the submitters: PubMed 16826528 (cited by Labcorp Genetics (formerly Invitae), Labcorp); PubMed 19264732 (cited by Labcorp Genetics (formerly Invitae), Labcorp); PubMed 22670141 (cited by Labcorp Genetics (formerly Invitae), Labcorp and 3billion); PubMed 39013458 (cited by Laboratory of Genetics, Children's Clinical University Hospital Latvia); NCBI Bookshelf NBK47079 (cited by GeneReviews).